The following is an entry in ClinVar:

NM_001164665.2(KIAA1549):c.1198C>T (p.Pro400Ser)

Gene: KIAA1549 (KIAA1549; minus strand). Cytogenetic location: 7q34.
Variant type: single nucleotide variant.
Coding change: c.1198C>T on transcript NM_001164665.2 (MANE Select); coding-DNA position 1198, C replaced by T.
Protein change: p.Pro400Ser; replaces proline 400 with serine.
Molecular consequence: missense variant.
Genome position (GRCh38, 1-based): chr7:138,918,428, G>A on the plus strand (C>T on the coding strand, the complement: KIAA1549 is on the minus strand). VCF-style: chr7-138918428-G-A. GRCh37 (hg19) VCF-style: chr7-138603174-G-A.
Other names: c.1198C>T, p.Pro400Ser (NM_020910.3); short protein forms P400S.
Identifiers: ClinVar variation 1520568 (VCV001520568.4), dbSNP rs949215134, ClinGen allele CA167164192.
Genomic context (GRCh38, chr7:138,918,428, plus strand): 5'-AAGTGTATGGTCTGAATGAGGACACCGGGCTCAGGATATGAGTGTTGTCCACAGGACCGG[G>A]GAGGGCTGAATTGCTATGCAATTCGGATGTTTTGCTGGAGTCGCTAGGGAGAAAGGGGTT-3'
Protein context (NP_001158137.1, residues 390-410): TSELHSNSAL[Pro400Ser]GPVDNTHILS

ClinVar aggregate classification (germline): Uncertain significance (1 of 4 stars; one submission).

Allele frequency attached by ClinVar (database versions not stated): gnomAD exomes below 0.00001; gnomAD 0.00001.

Submission:

Labcorp Genetics (formerly Invitae), Labcorp
Classification: Uncertain significance. Last evaluated: 2022-08-09. Review status: criteria provided, single submitter. Criteria: Invitae Variant Classification Sherloc (09022015). Collection method: clinical testing. Allele origin: germline.
Comment: In summary, the available evidence is currently insufficient to determine the role of this variant in disease. Therefore, it has been classified as a Variant of Uncertain Significance. Algorithms developed to predict the effect of missense changes on protein structure and function output the following: SIFT: "Tolerated"; PolyPhen-2: "Benign"; Align-GVGD: "Class C0". The serine amino acid residue is found in multiple mammalian species, which suggests that this missense change does not adversely affect protein function. ClinVar contains an entry for this variant (Variation ID: 1520568). This variant has not been reported in the literature in individuals affected with KIAA1549-related conditions. This variant is not present in population databases (gnomAD no frequency). This sequence change replaces proline, which is neutral and non-polar, with serine, which is neutral and polar, at codon 400 of the KIAA1549 protein (p.Pro400Ser).